The following is an entry in ClinVar:

NM_001163809.2(WDR81):c.4315C>T (p.Arg1439Trp)

Gene: WDR81 (WD repeat domain 81; plus strand). Cytogenetic location: 17p13.3.
Variant type: single nucleotide variant.
Coding change: c.4315C>T on transcript NM_001163809.2 (MANE Select); coding-DNA position 4315, C replaced by T.
Protein change: p.Arg1439Trp; replaces arginine 1439 with tryptophan.
Molecular consequence: missense variant.
Genome position (GRCh38, 1-based): chr17:1,732,482, C>T. VCF-style: chr17-1732482-C-T. GRCh37 (hg19) VCF-style: chr17-1635776-C-T.
Other names: c.706C>T, p.Arg236Trp (NM_001163673.2); c.634C>T, p.Arg212Trp (NM_001163811.2); c.1162C>T, p.Arg388Trp (NM_152348.4); short protein forms R388W, R212W, R236W, R1439W.
Identifiers: ClinVar variation 808188 (VCV000808188.48), dbSNP rs141491316, ClinGen allele CA8273514.
Genomic context (GRCh38, chr17:1,732,482, plus strand): 5'-CAGCACCTGAGCGAGCCCGTGGCCACCTTTTTCCAGGTCTTCTCTCAGCTGCATGAGCTT[C>T]GGCAACAGGTGGGCAGATCTGCTGGGCCAGGGCGGGCTGGGGCGGGGGCTGTGGACCTGG-3'
Protein context (NP_001157281.1, residues 1429-1449): FQVFSQLHEL[Arg1439Trp]QQDLKLDPAG

ClinVar aggregate classification (germline): Uncertain significance. Review status: criteria provided, multiple submitters, no conflicts (2 of 4 stars). 5 submissions from 5 submitters: Uncertain significance (4). 1 of the submissions does not count toward it. Last evaluated 2025-05-16.

Conditions:
Inborn genetic diseases. Identifiers: MedGen C0950123, MeSH D030342.
Cerebellar ataxia, impaired intellectual development, and dysequilibrium syndrome 2. Also called: CEREBELLAR ATAXIA, MENTAL RETARDATION, AND DYSEQUILIBRIUM SYNDROME 2; CEREBELLAR ATAXIA AND MENTAL RETARDATION WITH OR WITHOUT QUADRUPEDAL LOCOMOTION 2; Cerebellar ataxia, intellectual disability, and dysequilibrium syndrome 2. Identifiers: Orphanet 1766, MedGen C2750234, MONDO:0012430, OMIM 610185.

Allele frequency attached by ClinVar (database versions not stated): TOPMed 0.00002; gnomAD exomes 0.00006 and 0.00008; ExAC 0.00008; gnomAD 0.00010 and 0.00004; ESP Exome Variant Server 0.00023.
gnomAD v4.1: 85 of 1,565,024 alleles (0.0054%); highest among the groups gnomAD compares: Admixed American, 0.0069%; no homozygotes.

Submissions (5):

GeneDx
Classification: Uncertain significance. Last evaluated: 2025-05-16. Review status: criteria provided, single submitter. Criteria: GeneDx Variant Classification Process June 2021. Collection method: clinical testing. Allele origin: germline.
Comment: Not observed at significant frequency in large population cohorts (gnomAD); In silico analysis supports that this missense variant has a deleterious effect on protein structure/function; Has not been previously published as pathogenic or benign to our knowledge

Blueprint Genetics
Classification: Uncertain significance. Last evaluated: 2024-11-04. Review status: criteria provided, single submitter. Criteria: ACMG Guidelines, 2015. Collection method: clinical testing. Allele origin: germline.

Ambry Genetics
Classification: Uncertain significance for Inborn genetic diseases. Last evaluated: 2024-05-24. Review status: criteria provided, single submitter. Criteria: Ambry Variant Classification Scheme 2023. Collection method: clinical testing. Allele origin: germline.

CeGaT Center for Human Genetics Tuebingen
Classification: Uncertain significance. Last evaluated: 2018-02-01. Review status: criteria provided, single submitter. Criteria: CeGaT Center For Human Genetics Tuebingen Variant Classification Criteria Version 2. Collection method: clinical testing. Allele origin: germline. Affected: yes. Observed: 1 variant allele.

Service de Génétique Moléculaire, Hôpital Robert Debré
Classification: Likely benign for Cerebellar ataxia, impaired intellectual development, and dysequilibrium syndrome 2. Review status: no assertion criteria provided. Collection method: clinical testing. Allele origin: unknown. Affected: yes. Not counted in ClinVar's aggregate classification.